The following is an entry in ClinVar:

ClinVar aggregate classification (germline): Pathogenic (1 of 4 stars; one submission).

Conditions:
Kartagener syndrome (CILD1). Also called: CILIARY DYSKINESIA, PRIMARY, 1; CILIARY DYSKINESIA, PRIMARY, 1, WITH OR WITHOUT SITUS INVERSUS; IMMOTILE CILIA SYNDROME; POLYNESIAN BRONCHIECTASIS; Dextrocardia bronchiectasis and sinusitis; SIEWERT SYNDROME. Identifiers: Orphanet 244, MedGen C4551906, MONDO:0009484, OMIM 244400.

Submission:

Myriad Genetics, Inc.
Classification: Pathogenic for Kartagener syndrome. Last evaluated: 2024-05-14. Review status: criteria provided, single submitter. Criteria: Myriad Autosomal Dominant, Autosomal Recessive and X-Linked Classification Criteria (2023). Collection method: clinical testing. Allele origin: unknown.
Comment: NM_012144.2(DNAI1):c.126G>A(W42*) is expected to be pathogenic in the context of primary ciliary dyskinesia, DNAI1-related. This variant is predicted to lead to an abnormal or absent protein product due to the creation of a premature termination codon in DNAI1, a gene where loss-of-function variants are known to be pathogenic. Please note: this variant was assessed in the context of healthy population screening.

NM_012144.4(DNAI1):c.126G>A (p.Trp42Ter)

Gene: DNAI1 (dynein axonemal intermediate chain 1; plus strand). Cytogenetic location: 9p13.3.
Variant type: single nucleotide variant.
Coding change: c.126G>A on transcript NM_012144.4 (MANE Select); coding-DNA position 126, G replaced by A.
Protein change: p.Trp42Ter; replaces tryptophan 42 with a stop codon.
Molecular consequence: nonsense.
Genome position (GRCh38, 1-based): chr9:34,485,186, G>A. VCF-style: chr9-34485186-G-A. GRCh37 (hg19) VCF-style: chr9-34485184-G-A.
Other names: c.126G>A, p.Trp42Ter (NM_001281428.2); short protein forms W42*.
Identifiers: ClinVar variation 5015786 (VCV005015786.1).